The following is an entry in ClinVar:

NM_000368.5(TSC1):c.1029+64C>A

Gene: TSC1 (TSC complex subunit 1; minus strand). Cytogenetic location: 9q34.13.
Variant type: single nucleotide variant.
Coding change: c.1029+64C>A on transcript NM_000368.5 (MANE Select); 64 bases into the intron after coding-DNA position 1029, C replaced by A.
Molecular consequence: intron variant.
Genome position (GRCh38, 1-based): chr9:132,911,389, G>T on the plus strand (C>A on the coding strand, the complement: TSC1 is on the minus strand). VCF-style: chr9-132911389-G-T. GRCh37 (hg19) VCF-style: chr9-135786776-G-T.
Other names: c.1029+64C>A (NM_001406601.1, NM_001406605.1, NM_001406599.1 and 16 more transcripts); c.-22+21C>A (NM_001406630.1, NM_001406629.1); c.666+64C>A (NM_001406624.1, NM_001406616.1, NM_001406623.1 and 10 more transcripts); c.876+64C>A (NM_001406610.1, NM_001406611.1, NM_001162427.2 and 2 more transcripts); c.78+64C>A (NM_001406627.1, NM_001406628.1, NM_001406626.1).
Identifiers: ClinVar variation 4554812 (VCV004554812.3).

ClinVar aggregate classification (germline): Likely pathogenic (1 of 4 stars; one submission).

Conditions:
Hereditary cancer-predisposing syndrome. Also called: Neoplastic Syndromes, Hereditary; Tumor predisposition; Hereditary Cancer Syndrome; Hereditary neoplastic syndrome. Identifiers: Orphanet 140162, MedGen C0027672, MeSH D009386, MONDO:0015356.

Submission:

Ambry Genetics
Classification: Likely pathogenic for Hereditary cancer-predisposing syndrome. Last evaluated: 2026-04-17. Review status: criteria provided, single submitter. Criteria: Ambry Variant Classification Scheme 2023. Collection method: clinical testing. Allele origin: germline.
Comment: The c.1029+64C>A intronic alteration consists of a C to A substitution 64 nucleotides after exon 10 (coding exon 8) of the TSC1 gene. This variant was not reported in population-based cohorts in the Genome Aggregation Database (gnomAD). This variant was reported in individual(s) with features consistent with Tuberous sclerosis complex (Ambry internal data). This nucleotide position is not well conserved in available vertebrate species. RNA studies have demonstrated that this variant results in abnormal splicing in the set of samples tested (Ambry internal data). In silico splice site analysis predicts that this alteration will result in the creation or strengthening of a novel splice donor site. Based on the available evidence, this alteration is classified as likely pathogenic.